The following is an entry in ClinVar:

NM_002529.4(NTRK1):c.1919A>G (p.Tyr640Cys)

Gene: NTRK1 (neurotrophic receptor tyrosine kinase 1; plus strand). Cytogenetic location: 1q23.1.
Variant type: single nucleotide variant.
Coding change: c.1919A>G on transcript NM_002529.4 (MANE Select); coding-DNA position 1919, A replaced by G.
Protein change: p.Tyr640Cys; replaces tyrosine 640 with cysteine.
Molecular consequence: missense variant.
Genome position (GRCh38, 1-based): chr1:156,879,235, A>G. VCF-style: chr1-156879235-A-G. GRCh37 (hg19) VCF-style: chr1-156849027-A-G.
Other names: c.1811A>G, p.Tyr604Cys (NM_001007792.1); c.1901A>G, p.Tyr634Cys (NM_001012331.2); short protein forms Y604C, Y634C, Y640C.
Identifiers: ClinVar variation 859610 (VCV000859610.4), dbSNP rs1648104540, ClinGen allele CA342939764.

ClinVar aggregate classification (germline): Uncertain significance (1 of 4 stars; one submission).

Conditions:
Hereditary insensitivity to pain with anhidrosis (CIPA). Also called: FAMILIAL DYSAUTONOMIA, TYPE II; INSENSITIVITY TO PAIN, CONGENITAL, WITH ANHIDROSIS; NEUROPATHY, CONGENITAL SENSORY, WITH ANHIDROSIS; hereditary sensory and autonomic neuropathy type 4; HSAN Type IV; NTRK1 Congenital Insensitivity to Pain with Anhidrosis. Identifiers: Orphanet 642, MedGen C0020074, MONDO:0009746, OMIM 256800.

Allele frequency attached by ClinVar (database versions not stated): gnomAD exomes 0.00001.
gnomAD v4.1: 19 of 1,613,948 alleles (0.0012%); highest among the groups gnomAD compares: Non-Finnish European, 0.0015%; no homozygotes.

Submission:

Labcorp Genetics (formerly Invitae), Labcorp
Classification: Uncertain significance for Hereditary insensitivity to pain with anhidrosis. Last evaluated: 2021-08-24. Review status: criteria provided, single submitter. Criteria: Invitae Variant Classification Sherloc (09022015). Collection method: clinical testing. Allele origin: germline.
Comment: This sequence change replaces tyrosine with cysteine at codon 634 of the NTRK1 protein (p.Tyr634Cys). The tyrosine residue is highly conserved and there is a large physicochemical difference between tyrosine and cysteine. This variant is not present in population databases (ExAC no frequency). This variant has not been reported in the literature in individuals affected with NTRK1-related conditions. Algorithms developed to predict the effect of missense changes on protein structure and function (SIFT, PolyPhen-2, Align-GVGD) all suggest that this variant is likely to be disruptive. In summary, the available evidence is currently insufficient to determine the role of this variant in disease. Therefore, it has been classified as a Variant of Uncertain Significance.